The following is an entry in ClinVar:

NM_001290060.2(SEMA3B):c.875T>A (p.Val292Glu)

Gene: SEMA3B (semaphorin 3B; plus strand). Cytogenetic location: 3p21.31.
Variant type: single nucleotide variant.
Coding change: c.875T>A on transcript NM_001290060.2 (MANE Select); coding-DNA position 875, T replaced by A.
Protein change: p.Val292Glu; replaces valine 292 with glutamic acid.
Molecular consequence: missense variant. On other transcripts: 5 prime UTR variant (2), non-coding transcript variant (1).
Genome position (GRCh38, 1-based): chr3:50,273,599, T>A. VCF-style: chr3-50273599-T-A. GRCh37 (hg19) VCF-style: chr3-50311030-T-A.
Other names: c.875T>A, p.Val292Glu (NM_001005914.3, NM_001290061.1, NM_001435956.1 and 3 more transcripts); c.-152T>A (NM_001290062.2); c.-155T>A (NM_001290063.2); short protein forms V292E.
Identifiers: ClinVar variation 4983895 (VCV004983895.1).

ClinVar aggregate classification (germline): Uncertain significance (1 of 4 stars; one submission).

Conditions:
SEMA3B-related disorder. Also called: SEMA3B-related condition.

gnomAD v4.1: 4 of 1,612,472 alleles (0.00025%); highest among the groups gnomAD compares: Admixed American, 0.005%; no homozygotes.

Submission:

PreventionGenetics, part of Exact Sciences
Classification: Uncertain significance for SEMA3B-related condition. Last evaluated: 2026-03-25. Review status: criteria provided, single submitter. Criteria: ACMG Guidelines, 2015. Collection method: clinical testing. Allele origin: germline.
Comment: The SEMA3B c.875T>A variant is predicted to result in the amino acid substitution p.Val292Glu. To our knowledge, this variant has not been reported in the literature. This variant is reported in 0.0029% of alleles in individuals of Latino descent in gnomAD. At this time, the clinical significance of this variant is uncertain due to the absence of conclusive functional and genetic evidence.